The following is an entry in ClinVar:

NM_007294.4(BRCA1):c.3937C>T (p.Gln1313Ter)

Genes: BRCA1 (BRCA1 DNA repair associated; minus strand), LOC126862571 (BRD4-independent group 4 enhancer GRCh37_chr17:41243136-41244335; plus strand). Cytogenetic location: 17q21.31.
Variant type: single nucleotide variant.
Coding change: c.3937C>T on transcript NM_007294.4 (MANE Select); coding-DNA position 3937, C replaced by T.
Protein change: p.Gln1313Ter; replaces glutamine 1313 with a stop codon.
Molecular consequence: nonsense. On other transcripts: intron variant (135).
Genome position (GRCh38, 1-based): chr17:43,091,594, G>A on the plus strand (C>T on the coding strand, the complement: BRCA1 is on the minus strand). VCF-style: chr17-43091594-G-A. GRCh37 (hg19) VCF-style: chr17-41243611-G-A.
Other names: 4056C>T; c.3727C>T, p.Gln1243Ter (NM_001407884.1, NM_001407885.1, NM_001407886.1 and 13 more transcripts); c.3724C>T, p.Gln1242Ter (NM_001407894.1, NM_001407895.1, NM_001407896.1 and 9 more transcripts); c.3814C>T, p.Gln1272Ter (NM_001407919.1, NM_001407937.1, NM_001407938.1 and 19 more transcripts); c.3673C>T, p.Gln1225Ter (NM_001407920.1, NM_001407921.1, NM_001407922.1 and 9 more transcripts); c.3670C>T, p.Gln1224Ter (NM_001407930.1, NM_001407931.1, NM_001407932.1 and 2 more transcripts); c.3811C>T, p.Gln1271Ter (NM_001407940.1, NM_001407941.1, NM_001407649.1 and 11 more transcripts); c.3796C>T, p.Gln1266Ter (NM_001407942.1, NM_001407944.1, NM_001407945.1 and 29 more transcripts); and 42 more; short protein forms Q1313*, Q1266*, Q1145*, Q1224*, Q1242*, Q1245*, Q1265*, Q1272*.
Identifiers: ClinVar variation 37556 (VCV000037556.45), dbSNP rs80357318, ClinGen allele CA002527.

ClinVar aggregate classification (germline): Pathogenic. Review status: reviewed by expert panel (3 of 4 stars). 18 submissions from 18 submitters: Pathogenic (1). 17 of the submissions do not count toward it. Last evaluated 2016-09-08.

Conditions:
Hereditary cancer-predisposing syndrome. Also called: Tumor predisposition; Neoplastic Syndromes, Hereditary; Hereditary Cancer Syndrome; Hereditary neoplastic syndrome. Identifiers: Orphanet 140162, MedGen C0027672, MeSH D009386, MONDO:0015356.
Hereditary breast ovarian cancer syndrome. Also called: Hereditary breast and ovarian cancer syndrome (HBOC); Hereditary breast and ovarian cancer syndrome; Hereditary breast and ovarian cancer; Hereditary breast and/or ovarian cancer syndrome; Breast and ovarian cancer; BRCA1- and BRCA2-Associated Hereditary Breast and Ovarian Cancer. Identifiers: Orphanet 145, MedGen C0677776, MeSH D061325, MONDO:0003582. Disease mechanism: loss of function.
Breast-ovarian cancer, familial, susceptibility to, 1 (BROVCA1). Also called: OVARIAN CANCER, SUSCEPTIBILITY TO; BRCA1 Hereditary Breast and Ovarian Cancer. Identifiers: Orphanet 145, MedGen C2676676, MONDO:0011450, OMIM 604370. Disease mechanism: loss of function.

gnomAD v4.1: 2 of 1,614,168 alleles (0.00012%); highest among the groups gnomAD compares: Non-Finnish European, 0.00017%; no homozygotes.

Submissions 1 to 10 of 18:

Evidence-based Network for the Interpretation of Germline Mutant Alleles (ENIGMA)
Classification: Pathogenic for Breast-ovarian cancer, familial, susceptibility to, 1. Last evaluated: 2016-09-08. Review status: reviewed by expert panel. Criteria: ENIGMA BRCA1/2 Classification Criteria (2015). Collection method: curation. Allele origin: germline.
Comment: Variant allele predicted to encode a truncated non-functional protein.

Labcorp Genetics (formerly Invitae), Labcorp
Classification: Pathogenic for Hereditary breast ovarian cancer syndrome. Last evaluated: 2026-01-19. Review status: criteria provided, single submitter. Criteria: Invitae Variant Classification Sherloc (09022015). Collection method: clinical testing. Allele origin: germline. Not counted in ClinVar's aggregate classification.
Comment: This sequence change creates a premature translational stop signal (p.Gln1313*) in the BRCA1 gene. It is expected to result in an absent or disrupted protein product. Loss-of-function variants in BRCA1 are known to be pathogenic (PMID: 20104584). This variant is not present in population databases (gnomAD no frequency). This premature translational stop signal has been observed in individual(s) with breast and/or ovarian cancer (PMID: 7837387, 22010008, 25863477, 27153395). ClinVar contains an entry for this variant (Variation ID: 37556). RNA analysis performed to evaluate the impact of this premature translational stop signal on mRNA splicing indicates it does not significantly alter splicing (internal data). For these reasons, this variant has been classified as Pathogenic.

Helix
Classification: Pathogenic for Breast-ovarian cancer, familial, susceptibility to, 1. Last evaluated: 2025-07-16. Review status: criteria provided, single submitter. Criteria: ACMG Guidelines, 2015. Collection method: clinical testing. Allele origin: germline. Inheritance: Autosomal dominant inheritance. Not counted in ClinVar's aggregate classification.
Comment: This variant (NM_007294.4:c.3937C>T p.Gln1313Ter) results in the creation of a premature stop codon in the BRCA1 gene. It is predicted to result in nonsense-mediated mRNA decay or in the production of a truncated protein, leading to loss-of-function (LOF). LOF variants in this gene are known to be deleterious (PMID: 20104584, 20301575). It is present in the gnomAD population database (v4.1) at the highest allele frequency in the European (non-Finnish) subpopulation among non-founder subpopulations (2/1180030 alleles, 0.00017%). This variant has been observed in individual(s) with a personal and/or family history of BRCA1-related conditions (PMID: 7545954, 7837387, 21120943, 22010008, 23192404, 25863477, 27153395, 32341426). This variant is present in ClinVar (Accession: VCV000037556.42). In conclusion, this variant has been classified as Pathogenic.

Revvity Omics, Revvity
Classification: Pathogenic. Last evaluated: 2025-04-24. Review status: criteria provided, single submitter. Criteria: ACMG Guidelines, 2015. Collection method: clinical testing. Allele origin: germline. Not counted in ClinVar's aggregate classification.

Ambry Genetics
Classification: Pathogenic for Hereditary cancer-predisposing syndrome. Last evaluated: 2025-04-22. Review status: criteria provided, single submitter. Criteria: Ambry Variant Classification Scheme 2023. Collection method: clinical testing. Allele origin: germline. Not counted in ClinVar's aggregate classification.
Comment: The p.Q1313* pathogenic mutation (also known as c.3937C>T), located in coding exon 9 of the BRCA1 gene, results from a C to T substitution at nucleotide position 3937. This changes the amino acid from a glutamine to a stop codon within coding exon 9. This mutation has been identified in multiple families with breast and ovarian cancer (Shattuck-Eidens D et al. JAMA 1995 Feb;273:535-41; Caux-Moncoutier V et al. Hum. Mutat. 2011 Mar;32:325-34; Lecarpentier J et al. Breast Cancer Res. 2012 Jul;14(4):R99; Rummel SK et al. Breast Cancer Res. Treat. 2017 Aug;164(3):593-601; Heramb C et al. Hered. Cancer Clin. Pract. 2018 Jan;16:3; Rebbeck TR et al. Hum. Mutat. 2018 May;39:593-620). Of note, this alteration is also designated as 4056C>T in published literature. In addition to the clinical data presented in the literature, this alteration is expected to result in loss of function by premature protein truncation or nonsense-mediated mRNA decay. As such, this alteration is interpreted as a disease-causing mutation.

GeneDx
Classification: Pathogenic. Last evaluated: 2024-11-15. Review status: criteria provided, single submitter. Criteria: GeneDx Variant Classification Process June 2021. Collection method: clinical testing. Allele origin: germline. Affected: yes. Not counted in ClinVar's aggregate classification.
Comment: Nonsense variant predicted to result in protein truncation or nonsense mediated decay in a gene for which loss of function is a known mechanism of disease; Observed in individuals with a personal or family history consistent with pathogenic variants in this gene (PMID: 7837387, 21120943, 23192404, 22010008); Truncating variants in this gene are considered pathogenic by a well-established clinical consortium and/or database; Not observed at significant frequency in large population cohorts (gnomAD); Also known as 4056C>T; This variant is associated with the following publications: (PMID: 23192404, 25525159, 30678073, 31409081, 7837387, 16875939, 7545954, 25863477, 22010008, 12112659, 26994145, 21120943, 27783335, 27153395, 29339979, 31013702, 31432501, 32341426, 29446198, 31742824, 34981296, 28888541, 30322717)

Molecular Pathology, Peter Maccallum Cancer Centre
Classification: Pathogenic for Breast-ovarian cancer, familial, susceptibility to, 1. Last evaluated: 2024-06-21. Review status: criteria provided, single submitter. Criteria: ACMG Guidelines, 2015. Collection method: clinical testing. Allele origin: germline. Inheritance: Autosomal dominant inheritance. Not counted in ClinVar's aggregate classification.

Quest Diagnostics Nichols Institute San Juan Capistrano
Classification: Pathogenic. Last evaluated: 2023-12-06. Review status: criteria provided, single submitter. Criteria: Quest Diagnostics criteria. Collection method: clinical testing. Allele origin: unknown. Not counted in ClinVar's aggregate classification.
Comment: The BRCA1 c.3937C>T (p.Gln1313*) variant causes the premature termination of BRCA1 protein synthesis. This variant has been reported in the published literature in affected individuals with breast and/or ovarian cancer (PMIDs: 25863477 (2015), 27153395 (2016), 29339979 (2018), 30322717 (2018), 31742824 (2020), 32341426 (2020), and 34981296 (2022)). This variant has not been reported in large, multi-ethnic general populations (Genome Aggregation Database). Based on the available information, this variant is classified as pathogenic.

Baylor Genetics
Classification: Pathogenic for Breast-ovarian cancer, familial, susceptibility to, 1. Last evaluated: 2022-05-30. Review status: criteria provided, single submitter. Criteria: ACMG Guidelines, 2015. Collection method: clinical testing. Allele origin: unknown. Not counted in ClinVar's aggregate classification.

Color Diagnostics, LLC DBA Color Health
Classification: Pathogenic for Hereditary cancer-predisposing syndrome. Last evaluated: 2022-03-21. Review status: criteria provided, single submitter. Criteria: ACMG Guidelines, 2015. Collection method: clinical testing. Allele origin: germline. Not counted in ClinVar's aggregate classification.
Comment: This variant changes 1 nucleotide in exon 10 of the BRCA1 gene, creating a premature translation stop signal. This variant is expected to result in an absent or non-functional protein product. This variant has been reported in individuals and families affected with breast and/or ovarian cancer (PMID: 7545954, 16875939, 18284688, 21120943, 22010008, 23192404, 25863477, 27153395, 28503720, 32341426). This variant has been identified in 21 families among the CIMBA participants (PMID: 29446198). This variant has not been identified in the general population by the Genome Aggregation Database (gnomAD). Loss of BRCA1 function is a known mechanism of disease. Based on the available evidence, this variant is classified as Pathogenic.